The following is an entry in ClinVar:

NM_173689.7(CRB2):c.3678C>T (p.Ala1226=)

Gene: CRB2 (crumbs cell polarity complex component 2; plus strand). Cytogenetic location: 9q33.3.
Variant type: single nucleotide variant.
Coding change: c.3678C>T on transcript NM_173689.7 (MANE Select); coding-DNA position 3678, C replaced by T.
Protein change: p.Ala1226=; no amino-acid change (alanine 1226 retained).
Molecular consequence: synonymous variant. On other transcripts: non-coding transcript variant (1).
Genome position (GRCh38, 1-based): chr9:123,376,882, C>T. VCF-style: chr9-123376882-C-T. GRCh37 (hg19) VCF-style: chr9-126139161-C-T.
Identifiers: ClinVar variation 725319 (VCV000725319.13), dbSNP rs149457987, ClinGen allele CA5232584.

ClinVar aggregate classification (germline): Likely benign. Review status: criteria provided, multiple submitters, no conflicts (2 of 4 stars). 4 submissions from 4 submitters: Likely benign (3). 1 of the submissions does not count toward it. Last evaluated 2026-06-01.

Conditions:
CRB2-related disorder. Also called: CRB2-related disorders; CRB2-related condition.

Allele frequency attached by ClinVar (database versions not stated): ESP Exome Variant Server 0.00046; TOPMed 0.00052; gnomAD 0.00059 and 0.00063.
gnomAD v4.1: 1,226 of 1,609,842 alleles (0.076%); highest among the groups gnomAD compares: Non-Finnish European, 0.099%; 2 homozygotes.

Submissions (4):

CeGaT Center for Human Genetics Tuebingen
Classification: Likely benign. Last evaluated: 2026-06-01. Review status: criteria provided, single submitter. Criteria: CeGaT Center For Human Genetics Tuebingen Variant Classification Criteria Version 2. Collection method: clinical testing. Allele origin: germline. Affected: yes. Observed: 1 variant allele.
Comment: CRB2: BP4, BP7

Labcorp Genetics (formerly Invitae), Labcorp
Classification: Likely benign. Last evaluated: 2025-09-22. Review status: criteria provided, single submitter. Criteria: Invitae Variant Classification Sherloc (09022015). Collection method: clinical testing. Allele origin: germline.

Blueprint Genetics
Classification: Likely benign. Last evaluated: 2024-10-23. Review status: criteria provided, single submitter. Criteria: ACMG Guidelines, 2015. Collection method: clinical testing. Allele origin: germline.

PreventionGenetics, part of Exact Sciences
Classification: Likely benign for CRB2-related condition. Last evaluated: 2019-11-11. Review status: no assertion criteria provided. Collection method: clinical testing. Allele origin: germline. Not counted in ClinVar's aggregate classification.
Comment: This variant is classified as likely benign based on ACMG/AMP sequence variant interpretation guidelines (Richards et al. 2015 PMID: 25741868, with internal and published modifications).